The following is an entry in ClinVar:

ClinVar aggregate classification (germline): Conflicting classifications of pathogenicity. Review status: criteria provided, conflicting classifications (1 of 4 stars). 12 submissions from 12 submitters: Uncertain significance (1); Benign (2); Likely benign (8). 1 of the submissions does not count toward it. Last evaluated 2026-08-01.

Conditions:
Hereditary cancer-predisposing syndrome. Also called: Hereditary neoplastic syndrome; Tumor predisposition; Neoplastic Syndromes, Hereditary; Hereditary Cancer Syndrome. Identifiers: Orphanet 140162, MedGen C0027672, MeSH D009386, MONDO:0015356.
Ataxia-telangiectasia syndrome (AT). Also called: Ataxia telangiectasia (A-T); LOUIS-BAR SYNDROME; Ataxia-telangiectasia; Cerebello-oculocutaneous telangiectasia; Immunodeficiency with ataxia telangiectasia; Ataxia-telangiectasia, complementation group D. Identifiers: Orphanet 100, MedGen C0004135, MONDO:0008840, OMIM 208900.
Familial cancer of breast. Also called: hereditary breast carcinoma; Hereditary breast cancer; BREAST CANCER, FAMILIAL. Identifiers: Orphanet 227535, MedGen C0346153, MONDO:0016419, OMIM 114480. Disease mechanism: loss of function.
Malignant tumor of breast. Also called: Malignant breast neoplasm; Cancer breast. Identifiers: MedGen C0006142, MONDO:0007254. Disease mechanism: loss of function.

Allele frequency attached by ClinVar (database versions not stated): gnomAD 0.00001; ExAC 0.00002; gnomAD exomes 0.00002 and 0.00003; TOPMed 0.00002.
gnomAD v4.1: 36 of 1,613,500 alleles (0.0022%); highest among the groups gnomAD compares: Middle Eastern, 0.033%; no homozygotes.

Submissions (12):

CeGaT Center for Human Genetics Tuebingen
Classification: Uncertain significance. Last evaluated: 2026-08-01. Review status: criteria provided, single submitter. Criteria: CeGaT Center For Human Genetics Tuebingen Variant Classification Criteria Version 2. Collection method: clinical testing. Allele origin: germline. Affected: yes. Observed: 1 variant allele.
Comment: ATM: PM2:Supporting, BP4

Labcorp Genetics (formerly Invitae), Labcorp
Classification: Likely benign for Ataxia-telangiectasia syndrome. Last evaluated: 2026-01-25. Review status: criteria provided, single submitter. Criteria: Invitae Variant Classification Sherloc (09022015). Collection method: clinical testing. Allele origin: germline.

Women's Health and Genetics/Laboratory Corporation of America, LabCorp
Classification: Likely benign. Last evaluated: 2025-09-02. Review status: criteria provided, single submitter. Criteria: LabCorp Variant Classification Summary - May 2015. Collection method: clinical testing. Allele origin: germline.

Myriad Genetics, Inc.
Classification: Benign for Familial cancer of breast. Last evaluated: 2024-04-26. Review status: criteria provided, single submitter. Criteria: Myriad Autosomal Dominant, Autosomal Recessive and X-Linked Classification Criteria (2023). Collection method: clinical testing. Allele origin: unknown.
Comment: This variant is considered benign. This variant is a silent/synonymous amino acid change and it is not expected to impact splicing.

Blueprint Genetics
Classification: Likely benign. Last evaluated: 2023-09-26. Review status: criteria provided, single submitter. Criteria: ACMG Guidelines, 2015. Collection method: clinical testing. Allele origin: germline.

KCCC/NGS Laboratory, Kuwait Cancer Control Center
Classification: Likely benign for Familial cancer of breast. Last evaluated: 2023-07-07. Review status: criteria provided, single submitter. Criteria: ACMG Guidelines, 2015. Collection method: clinical testing. Allele origin: germline. Affected: yes.

Sema4
Classification: Likely benign for Hereditary cancer-predisposing syndrome. Last evaluated: 2021-10-11. Review status: criteria provided, single submitter. Criteria: Sema4 Curation Guidelines. Collection method: curation. Allele origin: germline.

Color Diagnostics, LLC DBA Color Health
Classification: Likely benign for Hereditary cancer-predisposing syndrome. Last evaluated: 2016-06-20. Review status: criteria provided, single submitter. Criteria: ACMG Guidelines, 2015. Collection method: clinical testing. Allele origin: germline.

GeneDx
Classification: Benign. Last evaluated: 2015-05-06. Review status: criteria provided, single submitter. Criteria: GeneDx Variant Classification Process June 2021. Collection method: clinical testing. Allele origin: germline. Affected: yes.

Ambry Genetics
Classification: Likely benign for Hereditary cancer-predisposing syndrome. Last evaluated: 2014-07-30. Review status: criteria provided, single submitter. Criteria: Ambry Variant Classification Scheme 2023. Collection method: clinical testing. Allele origin: germline.

PreventionGenetics, part of Exact Sciences
Classification: Likely benign. Review status: criteria provided, single submitter. Criteria: ACMG Guidelines, 2015. Collection method: clinical testing. Allele origin: germline.

Department of Pathology and Laboratory Medicine, Sinai Health System
Classification: Likely benign for Malignant tumor of breast. Review status: no assertion criteria provided. Collection method: clinical testing. Allele origin: unknown. Affected: yes. Study: The Canadian Open Genetics Repository (COGR). Not counted in ClinVar's aggregate classification.
Comment: The ATM p.Leu435L= variant was not identified in the literature nor was it identified in the LOVD 3.0 databases. The variant was identified in dbSNP (rs748469311) as â€šÃ„Ãºwith likely benign alleleâ€šÃ„Ã¹ and ClinVar (interpreted as "likely benign" Invitae and 3 others). The variant was identified in control databases in 8 of 245856 chromosomes at a frequency of 0.00003 (Genome Aggregation Database Feb 27, 2017). The variant was observed in the following populations: Other in 2 of 5476 chromosomes (freq: 0.0004), European in 4 of 111,514 chromosomes (freq: 0.00004), and South Asian in 2 of 30778 chromosomes (freq: 0.00007). The variant was not observed in the African, Latino, Ashkenazi Jewish, East Asian and Finnish populations. The p.Leu435= variant is not expected to have clinical significance because it does not result in a change of amino acid and is not located in a known consensus splice site. The variant occurs at a non-conserved nucleotide outside of the splicing consensus sequence and in silico or computational prediction software programs (SpliceSiteFinder, MaxEntScan, NNSPLICE, GeneSplicer) do not predict a difference in splicing. In summary, based on the above information the clinical significance of this variant cannot be determined with certainty at this time although we would lean towards a more benign role for this variant. This variant is classified as likely benign.

NM_000051.4(ATM):c.1303T>C (p.Leu435=)

Gene: ATM (ATM serine/threonine kinase; plus strand). Cytogenetic location: 11q22.3.
Variant type: single nucleotide variant.
Coding change: c.1303T>C on transcript NM_000051.4 (MANE Select); coding-DNA position 1303, T replaced by C.
Protein change: p.Leu435=; no amino-acid change (leucine 435 retained).
Molecular consequence: synonymous variant.
Genome position (GRCh38, 1-based): chr11:108,250,768, T>C. VCF-style: chr11-108250768-T-C. GRCh37 (hg19) VCF-style: chr11-108121495-T-C.
Other names: c.1303T>C, p.Leu435= (NM_001351834.2).
Identifiers: ClinVar variation 185779 (VCV000185779.28), dbSNP rs748469311, ClinGen allele CA192926.
Genomic context (GRCh38, chr11:108,250,768, plus strand): 5'-ATTGCAACCCAATTAATATCAAAGTATCCTGCAAGTTTACCTAACTGTGAGCTGTCTCCA[T>C]TACTGATGATACTATCTCAGCTTCTACCCCAACAGCGACATGGGGAACGTACACCATATG-3'
Protein context (NP_000042.3, residues 425-445): ASLPNCELSP[Leu435=]LMILSQLLPQ